The following is an entry in ClinVar:

NM_004104.5(FASN):c.6266C>T (p.Ala2089Val)

Gene: FASN (fatty acid synthase; minus strand). Cytogenetic location: 17q25.3.
Variant type: single nucleotide variant.
Coding change: c.6266C>T on transcript NM_004104.5 (MANE Select); coding-DNA position 6266, C replaced by T.
Protein change: p.Ala2089Val; replaces alanine 2089 with valine.
Molecular consequence: missense variant.
Genome position (GRCh38, 1-based): chr17:82,081,741, G>A on the plus strand (C>T on the coding strand, the complement: FASN is on the minus strand). VCF-style: chr17-82081741-G-A. GRCh37 (hg19) VCF-style: chr17-80039617-G-A.
Other names: c.6266C>T (NM_004104.4); short protein forms A2089V.
Identifiers: ClinVar variation 2082468 (VCV002082468.5), dbSNP rs544312761, ClinGen allele CA8851349.

ClinVar aggregate classification (germline): Uncertain significance. Review status: criteria provided, multiple submitters, no conflicts (2 of 4 stars). 2 submissions from 2 submitters: Uncertain significance (2). Last evaluated 2023-10-10.

Conditions:
Epileptic encephalopathy. Identifiers: MedGen C0543888, HP:0200134.

Allele frequency attached by ClinVar (database versions not stated): gnomAD exomes 0.00002; TOPMed 0.00003; ExAC 0.00004; gnomAD 0.00005; 1000 Genomes Project 30x 0.00016; 1000 Genomes Project 0.00020.

Submissions (2):

Ambry Genetics
Classification: Uncertain significance. Last evaluated: 2023-10-10. Review status: criteria provided, single submitter. Criteria: Ambry Variant Classification Scheme 2023. Collection method: clinical testing. Allele origin: germline.

Labcorp Genetics (formerly Invitae), Labcorp
Classification: Uncertain significance for Epileptic encephalopathy. Last evaluated: 2022-06-30. Review status: criteria provided, single submitter. Criteria: Invitae Variant Classification Sherloc (09022015). Collection method: clinical testing. Allele origin: germline.
Comment: This variant is present in population databases (rs544312761, gnomAD 0.08%), and has an allele count higher than expected for a pathogenic variant. In summary, the available evidence is currently insufficient to determine the role of this variant in disease. Therefore, it has been classified as a Variant of Uncertain Significance. Algorithms developed to predict the effect of missense changes on protein structure and function output the following: SIFT: "Tolerated"; PolyPhen-2: "Benign"; Align-GVGD: "Class C0". The valine amino acid residue is found in multiple mammalian species, which suggests that this missense change does not adversely affect protein function. This variant has not been reported in the literature in individuals affected with FASN-related conditions. This sequence change replaces alanine, which is neutral and non-polar, with valine, which is neutral and non-polar, at codon 2089 of the FASN protein (p.Ala2089Val).